The following is an entry in ClinVar:

ClinVar aggregate classification (germline): Conflicting classifications of pathogenicity. Review status: criteria provided, conflicting classifications (1 of 4 stars). 2 submissions from 2 submitters: Likely pathogenic, low penetrance (1); Uncertain significance (1). Last evaluated 2026-01-28.

Conditions:
Atypical hemolytic-uremic syndrome. Identifiers: Orphanet 2134, MedGen C2931788, MONDO:0016244.

gnomAD v4.1: 5 of 1,613,976 alleles (0.00031%); highest among the groups gnomAD compares: Non-Finnish European, 0.00034%; no homozygotes.

Submissions (2):

Labcorp Genetics (formerly Invitae), Labcorp
Classification: Uncertain significance. Last evaluated: 2026-01-28. Review status: criteria provided, single submitter. Criteria: Invitae Variant Classification Sherloc (09022015). Collection method: clinical testing. Allele origin: germline.
Comment: This sequence change replaces leucine, which is neutral and non-polar, with arginine, which is basic and polar, at codon 131 of the CFI protein (p.Leu131Arg). This variant is present in population databases (no rsID available, gnomAD 0.002%). This missense change has been observed in individual(s) with age-related macular degeneration (PMID: 32510551). ClinVar contains an entry for this variant (Variation ID: 4280513). Invitae Evidence Modeling of protein sequence and biophysical properties (such as structural, functional, and spatial information, amino acid conservation, physicochemical variation, residue mobility, and thermodynamic stability) indicates that this missense variant is not expected to disrupt CFI protein function with a negative predictive value of 95%. Experimental studies have shown that this missense change affects CFI function (PMID: 32510551). In summary, the available evidence is currently insufficient to determine the role of this variant in disease. Therefore, it has been classified as a Variant of Uncertain Significance.

Genomenon, Inc
Classification: Likely pathogenic, low penetrance for Atypical hemolytic-uremic syndrome. Last evaluated: 2025-09-26. Review status: criteria provided, single submitter. Criteria: Genomenon Sequence Variant Interpretation Standards - Updated. Collection method: curation. Allele origin: germline. Affected: yes.
Comment: CFI p.Leu131Arg (c.392T>G) is a missense variant that changes the amino acid at residue 131 from Leucine to Arginine. This variant has been observed in at least one proband affected with atypical hemolytic-uremic syndrome (PMID:33912760). At least one functional study has demonstrated a substantial alteration in protein function relative to the wild-type (PMID:32510551). It is absent or not present at a significant frequency in gnomAD. In silico models agree that this variant is not damaging. In conclusion, we classify CFI p.Leu131Arg (c.392T>G) as a likely pathogenic, low penetrance variant.

Literature cited by the submitters: PubMed 32510551 (cited by Labcorp Genetics (formerly Invitae), Labcorp); PubMed 33912760 (cited by Genomenon, Inc); 32510551 (cited by Genomenon, Inc).

NM_000204.5(CFI):c.392T>G (p.Leu131Arg)

Gene: CFI (complement factor I; minus strand). Cytogenetic location: 4q25.
Variant type: single nucleotide variant.
Coding change: c.392T>G on transcript NM_000204.5 (MANE Select); coding-DNA position 392, T replaced by G.
Protein change: p.Leu131Arg; replaces leucine 131 with arginine.
Molecular consequence: missense variant. On other transcripts: non-coding transcript variant (3), intron variant (1).
Genome position (GRCh38, 1-based): chr4:109,764,627, A>C on the plus strand (T>G on the coding strand, the complement: CFI is on the minus strand). VCF-style: chr4-109764627-A-C. GRCh37 (hg19) VCF-style: chr4-110685783-A-C.
Other names: c.392T>G, p.Leu131Arg (NM_001375279.1, NM_001375280.1, NM_001375281.1 and 10 more transcripts); c.-127-2935T>G (NM_001375284.1); short protein forms L131R.
Identifiers: ClinVar variation 4280513 (VCV004280513.2).